The following is an entry in ClinVar:

NM_000157.4(GBA1):c.1439_1445del (p.Lys480fs)

Genes: GBA1 (glucosylceramidase beta 1; minus strand), LOC106627981 (GBA recombination region; plus strand). Cytogenetic location: 1q22.
Variant type: Deletion.
Coding change: c.1439_1445del on transcript NM_000157.4 (MANE Select); coding-DNA positions 1439 to 1445, 7 bases deleted (AGAACGA; older notation c.1439_1445delAGAACGA).
Protein change: p.Lys480fs; shifts the reading frame from lysine 480.
Molecular consequence: frameshift variant.
Genome position (GRCh38, 1-based): chr1:155,235,255-155,235,261, TCGTTCT deleted on the plus strand (AGAACGA on the coding strand, the reverse complement: GBA1 is on the minus strand); deleting any 7 consecutive bases within chr1:155,235,255-155,235,263 gives the same sequence; the c. name uses the placement nearest the transcript's 3' end. VCF-style (leftmost placement, unchanged base first): chr1-155235254-GTCGTTCT-G. GRCh37 (hg19) VCF-style: chr1-155205045-GTCGTTCT-G.
Other names: c.1439_1445del, p.Lys480fs (NM_001005741.3, NM_001005742.3); c.1178_1184del, p.Lys393fs (NM_001171811.2); c.1292_1298del, p.Lys431fs (NM_001171812.2); short protein forms K393fs, K431fs, K480fs.
Identifiers: ClinVar variation 1677224 (VCV001677224.2), dbSNP rs2148070579, ClinGen allele CA2573131121.
Genomic context (GRCh38, chr1:155,235,254, plus strand): 5'-CCGGTTTAGCACGACCACAACAGCAGAGCCATCGGGATGCATCAGTGCCACTGCGTCCAG[GTCGTTCT>G]TCTGACTGGCAACCAGCCCCACTCTCTGGGAGCCCTCAGGAATGAACTTGCTGAATGTGG-3'

ClinVar aggregate classification (germline): Pathogenic (1 of 4 stars; one submission).

Conditions:
Gaucher disease. Also called: Acute cerebral Gaucher disease; Cerebroside lipidosis syndrome; Gaucher splenomegaly; Sphingolipidosis 1; Glucocerebrosidosis; Glucosylceramidase deficiency. Identifiers: Orphanet 355, MedGen C0017205, MONDO:0018150.

Submission:

Women's Health and Genetics/Laboratory Corporation of America, LabCorp
Classification: Pathogenic for Gaucher disease. Last evaluated: 2022-03-31. Review status: criteria provided, single submitter. Criteria: LabCorp Variant Classification Summary - May 2015. Collection method: clinical testing. Allele origin: germline.
Comment: Variant summary: GBA c.1439_1445delAGAACGA (p.Lys480ThrfsX7) results in a premature termination codon, predicted to cause a truncation of the encoded protein or absence of the protein due to nonsense mediated decay, which are commonly known mechanisms for disease. Truncations downstream of this position have been associated with Gaucher Disease in HGMD. The variant was absent in 251144 control chromosomes (gnomAD). c.1439_1445delAGAACGA has been reported in the literature in compound heterozygous individuals affected with Gaucher Disease (example: Giraldo_2012) . No clinical diagnostic laboratories have submitted clinical-significance assessments for this variant to ClinVar after 2014. Based on the evidence outlined above, the variant was classified as pathogenic.

Literature cited by the submitters: PubMed 22429443; PubMed 34134921.